The following is an entry in ClinVar:

ClinVar aggregate classification (germline): Pathogenic (1 of 4 stars; one submission).

Submission:

Labcorp Genetics (formerly Invitae), Labcorp
Classification: Pathogenic. Last evaluated: 2021-02-04. Review status: criteria provided, single submitter. Criteria: Invitae Variant Classification Sherloc (09022015). Collection method: clinical testing. Allele origin: germline.
Comment: This sequence change creates a premature translational stop signal (p.Trp1195*) in the SON gene. It is expected to result in an absent or disrupted protein product. Loss-of-function variants in SON are known to be pathogenic (PMID: 27545676, 27545680). This variant is not present in population databases (ExAC no frequency). This variant has not been reported in the literature in individuals with SON-related conditions. For these reasons, this variant has been classified as Pathogenic.

Literature cited by the submitters: PubMed 27545676; PubMed 27545680.

NM_138927.4(SON):c.3585G>A (p.Trp1195Ter)

Gene: SON (SON DNA and RNA binding protein; plus strand). Cytogenetic location: 21q22.11.
Variant type: single nucleotide variant.
Coding change: c.3585G>A on transcript NM_138927.4 (MANE Select); coding-DNA position 3585, G replaced by A.
Protein change: p.Trp1195Ter; replaces tryptophan 1195 with a stop codon.
Molecular consequence: nonsense. On other transcripts: non-coding transcript variant (1), intron variant (1).
Genome position (GRCh38, 1-based): chr21:33,552,816, G>A. VCF-style: chr21-33552816-G-A. GRCh37 (hg19) VCF-style: chr21-34925122-G-A.
Other names: c.3585G>A, p.Trp1195Ter (NM_001291411.2, NM_032195.3); c.245-4340G>A (NM_001291412.3); short protein forms W1195*.
Identifiers: ClinVar variation 1459132 (VCV001459132.6), dbSNP rs2145829352, ClinGen allele CA410160510.